The following is an entry in ClinVar:

ClinVar aggregate classification (germline): Uncertain significance (1 of 4 stars; one submission).

Conditions:
Hereditary cancer-predisposing syndrome. Also called: Tumor predisposition; Neoplastic Syndromes, Hereditary; Hereditary Cancer Syndrome; Hereditary neoplastic syndrome. Identifiers: Orphanet 140162, MedGen C0027672, MeSH D009386, MONDO:0015356.

Submission:

Ambry Genetics
Classification: Uncertain significance for Hereditary cancer-predisposing syndrome. Last evaluated: 2024-07-13. Review status: criteria provided, single submitter. Criteria: Ambry Variant Classification Scheme 2023. Collection method: clinical testing. Allele origin: germline.
Comment: The p.D241Y variant (also known as c.721G>T), located in coding exon 6 of the CDK4 gene, results from a G to T substitution at nucleotide position 721. The aspartic acid at codon 241 is replaced by tyrosine, an amino acid with highly dissimilar properties. This amino acid position is conserved. In addition, this alteration is predicted to be tolerated by in silico analysis. Based on the available evidence, the clinical significance of this variant remains unclear.

NM_000075.4(CDK4):c.721G>T (p.Asp241Tyr)

Genes: CDK4 (cyclin dependent kinase 4; minus strand), TSPAN31 (tetraspanin 31; plus strand). Cytogenetic location: 12q14.1.
Variant type: single nucleotide variant.
Coding change: c.721G>T on transcript NM_000075.4 (MANE Select); coding-DNA position 721, G replaced by T.
Protein change: p.Asp241Tyr; replaces aspartic acid 241 with tyrosine.
Molecular consequence: missense variant. On other transcripts: 3 prime UTR variant (3).
Genome position (GRCh38, 1-based): chr12:57,749,280, C>A on the plus strand (G>T on the coding strand, the complement: CDK4 is on the minus strand). VCF-style: chr12-57749280-C-A. GRCh37 (hg19) VCF-style: chr12-58143063-C-A.
Other names: c.*1990C>A (NM_001330168.2, NM_001330169.2, NM_005981.5); short protein forms D241Y.
Identifiers: ClinVar variation 3489496 (VCV003489496.1).
Genomic context (GRCh38, chr12:57,749,280, plus strand): 5'-CCACCGACTGCACTGGGCGGGGCCCTCTGGGGGGAAAGGCTCCACGGGGCAGGGATACAT[C>A]TCGAGGCCAGTCATCCTCTGGAGGCAGCCCAATCAGGCTGTGGGGGACAGGAGAACTCTG-3'
Protein context (NP_000066.1, residues 231-251): GLPPEDDWPR[Asp241Tyr]VSLPRGAFPP